The following is an entry in ClinVar:

NM_025243.4(SLC19A3):c.151-5T>G

Gene: SLC19A3 (solute carrier family 19 member 3; minus strand). Cytogenetic location: 2q36.3.
Variant type: single nucleotide variant.
Coding change: c.151-5T>G on transcript NM_025243.4 (MANE Select); 5 bases into the intron before coding-DNA position 151, T replaced by G.
Molecular consequence: intron variant.
Genome position (GRCh38, 1-based): chr2:227,699,569, A>C on the plus strand (T>G on the coding strand, the complement: SLC19A3 is on the minus strand). VCF-style: chr2-227699569-A-C. GRCh37 (hg19) VCF-style: chr2-228564285-A-C.
Other names: c.139-5T>G (NM_001371413.1, NM_001371414.1); c.151-5T>G (NM_001371411.1, NM_001371412.1).
Identifiers: ClinVar variation 1521273 (VCV001521273.8), dbSNP rs757762751, ClinGen allele CA2149365.

ClinVar aggregate classification (germline): Uncertain significance (1 of 4 stars; one submission).

Conditions:
Biotin-responsive basal ganglia disease (BTBGD). Also called: THIAMINE METABOLISM DYSFUNCTION SYNDROME 2 (BIOTIN- AND THIAMINE-RESPONSIVE TYPE); Thiamine metabolism dysfunction syndrome type 2; Thiamine Transporter-2 Deficiency; Thiamine metabolism dysfunction syndrome 2 (biotin- or thiamine-responsive encephalopathy type 2); thiamine-responsive encephalopathy. Identifiers: Orphanet 199348, Orphanet 65284, MedGen C1843807, MONDO:0011841, OMIM 607483.

Allele frequency attached by ClinVar (database versions not stated): gnomAD exomes below 0.00001; TOPMed below 0.00001; ExAC 0.00001; gnomAD 0.00001.
gnomAD v4.1: 5 of 1,613,536 alleles (0.00031%); highest among the groups gnomAD compares: Non-Finnish European, 0.00042%; no homozygotes.

Submission:

Labcorp Genetics (formerly Invitae), Labcorp
Classification: Uncertain significance for Biotin-responsive basal ganglia disease. Last evaluated: 2021-03-29. Review status: criteria provided, single submitter. Criteria: Invitae Variant Classification Sherloc (09022015). Collection method: clinical testing. Allele origin: germline.
Comment: In summary, the available evidence is currently insufficient to determine the role of this variant in disease. Therefore, it has been classified as a Variant of Uncertain Significance. Algorithms developed to predict the effect of sequence changes on RNA splicing suggest that this variant may disrupt the consensus splice site, but this prediction has not been confirmed by published transcriptional studies. This variant has not been reported in the literature in individuals with SLC19A3-related conditions. This variant is present in population databases (rs757762751, ExAC 0.002%). This sequence change falls in intron 2 of the SLC19A3 gene. It does not directly change the encoded amino acid sequence of the SLC19A3 protein.